The following is an entry in ClinVar:

NM_001370100.5(ZMYND11):c.773G>C (p.Cys258Ser)

Gene: ZMYND11 (zinc finger MYND-type containing 11; plus strand). Cytogenetic location: 10p15.3.
Variant type: single nucleotide variant.
Coding change: c.773G>C on transcript NM_001370100.5 (MANE Select); coding-DNA position 773, G replaced by C.
Protein change: p.Cys258Ser; replaces cysteine 258 with serine.
Molecular consequence: missense variant. On other transcripts: non-coding transcript variant (1), intron variant (1).
Genome position (GRCh38, 1-based): chr10:240,912, G>C. VCF-style: chr10-240912-G-C. GRCh37 (hg19) VCF-style: chr10-286852-G-C.
Other names: c.611G>C, p.Cys204Ser (NM_001370104.2, NM_001370105.2, NM_001370106.2 and 6 more transcripts); c.518G>C, p.Cys173Ser (NM_001370110.2, NM_001202465.3); c.608G>C, p.Cys203Ser (NM_001370111.2, NM_001202466.3); c.722G>C, p.Cys241Ser (NM_001370112.2, NM_001330057.3); c.680G>C, p.Cys227Ser (NM_001370113.2, NM_001370114.2); c.773G>C, p.Cys258Ser (NM_001161482.1, NM_001202468.1, NM_001370097.3 and 6 more transcripts); c.770G>C, p.Cys257Ser (NM_001370115.2, NM_212479.4); c.707G>C, p.Cys236Ser (NM_001370116.2); and 7 more; short protein forms C156S, C203S, C227S, C101S, C173S, C236S, C257S, C139S.
Identifiers: ClinVar variation 2785423 (VCV002785423.3), dbSNP rs2539873856, ClinGen allele CA375845976.

ClinVar aggregate classification (germline): Uncertain significance (1 of 4 stars; one submission).

Submission:

Labcorp Genetics (formerly Invitae), Labcorp
Classification: Uncertain significance. Last evaluated: 2022-11-04. Review status: criteria provided, single submitter. Criteria: Invitae Variant Classification Sherloc (09022015). Collection method: clinical testing. Allele origin: germline.
Comment: This variant has not been reported in the literature in individuals affected with ZMYND11-related conditions. This variant is not present in population databases (gnomAD no frequency). This sequence change replaces cysteine, which is neutral and slightly polar, with serine, which is neutral and polar, at codon 258 of the ZMYND11 protein (p.Cys258Ser). In summary, the available evidence is currently insufficient to determine the role of this variant in disease. Therefore, it has been classified as a Variant of Uncertain Significance. This variant disrupts the p.Cys258 amino acid residue in ZMYND11. Other variant(s) that disrupt this residue have been determined to be pathogenic (Invitae). This suggests that this residue is clinically significant, and that variants that disrupt this residue are likely to be disease-causing. Advanced modeling of protein sequence and biophysical properties (such as structural, functional, and spatial information, amino acid conservation, physicochemical variation, residue mobility, and thermodynamic stability) performed at Invitae indicates that this missense variant is expected to disrupt ZMYND11 protein function.